The following is an entry in ClinVar:

ClinVar aggregate classification (germline): Benign. Review status: reviewed by expert panel (3 of 4 stars). 11 submissions from 11 submitters: Benign (1). 10 of the submissions do not count toward it. Last evaluated 2022-09-01.

Conditions:
Inborn genetic diseases. Identifiers: MedGen C0950123, MeSH D030342.
Angelman syndrome (AS). Also called: HAPPY PUPPET SYNDROME. Identifiers: Orphanet 72, MedGen C0162635, MONDO:0007113, OMIM 105830. Disease mechanism: loss of function. Inheritance: AS is caused by disruption of maternally imprinted UBE3A located within the 15q11.2-q13 Angelman syndrome/Prader-Willi syndrome (AS/PWS) region., imprinting disorder.

Allele frequency attached by ClinVar (database versions not stated): 1000 Genomes Project 30x 0.00062; 1000 Genomes Project 0.00080; ExAC 0.00096; gnomAD exomes 0.00111 and 0.00182; gnomAD 0.00117 and 0.00131; TOPMed 0.00130; ESP Exome Variant Server 0.00161.
gnomAD v4.1: 2,841 of 1,613,992 alleles (0.18%); highest among the groups gnomAD compares: Non-Finnish European, 0.21%; 9 homozygotes.

Submissions (11):

ClinGen Rett and Angelman-like Disorders Variant Curation Expert Panel
Classification: Benign for Angelman syndrome. Last evaluated: 2022-09-01. Review status: reviewed by expert panel. Criteria: ClinGen RettAS ACMG Specifications V2. Collection method: curation. Allele origin: germline. Inheritance: Autosomal dominant inheritance.
Comment: The allele frequency of the p.Asp423= variant in UBE3A is 0.18% in European (Non-Finnish) sub population in gnomAD, which is high enough to be classified as benign based on thresholds defined by the ClinGen Rett/Angelman-like Expert Panel for Rett/AS-like conditions (BA1). The silent p.Asp423= variant is not predicted to affect splicing using multiple computational tools and does not affect a highly conserved nucleotide (BP7). In summary, the p.Asp423= variant in UBE3A is classified as benign based on the ACMG/AMP criteria (BA1, BP7).

CeGaT Center for Human Genetics Tuebingen
Classification: Likely benign. Last evaluated: 2026-08-01. Review status: criteria provided, single submitter. Criteria: CeGaT Center For Human Genetics Tuebingen Variant Classification Criteria Version 2. Collection method: clinical testing. Allele origin: germline. Affected: yes. Observed: 31 variant alleles. Not counted in ClinVar's aggregate classification.
Comment: UBE3A: BP4, BS1

Labcorp Genetics (formerly Invitae), Labcorp
Classification: Benign for Angelman syndrome. Last evaluated: 2026-01-26. Review status: criteria provided, single submitter. Criteria: Invitae Variant Classification Sherloc (09022015). Collection method: clinical testing. Allele origin: germline. Not counted in ClinVar's aggregate classification.

Blueprint Genetics
Classification: Likely benign. Last evaluated: 2024-10-30. Review status: criteria provided, single submitter. Criteria: ACMG Guidelines, 2015. Collection method: clinical testing. Allele origin: germline. Not counted in ClinVar's aggregate classification.

Mayo Clinic Laboratories, Mayo Clinic
Classification: Benign. Last evaluated: 2019-08-30. Review status: criteria provided, single submitter. Criteria: ACMG Guidelines, 2015. Collection method: clinical testing. Allele origin: germline. Observed: 4 variant alleles. Not counted in ClinVar's aggregate classification.

Athena Diagnostics
Classification: Benign. Last evaluated: 2017-12-14. Review status: criteria provided, single submitter. Criteria: Athena Diagnostics Criteria. Collection method: clinical testing. Allele origin: germline. Not counted in ClinVar's aggregate classification.

Eurofins Ntd Llc (ga)
Classification: Benign. Last evaluated: 2017-12-01. Review status: criteria provided, single submitter. Criteria: EGL Classification Definitions 2015. Collection method: clinical testing. Allele origin: germline. Observed: 4 variant alleles, 4 heterozygotes. Not counted in ClinVar's aggregate classification.

Ambry Genetics
Classification: Likely benign for Inborn genetic diseases. Last evaluated: 2016-12-21. Review status: criteria provided, single submitter. Criteria: Ambry Variant Classification Scheme 2023. Collection method: clinical testing. Allele origin: germline. Not counted in ClinVar's aggregate classification.

GeneDx
Classification: Benign. Last evaluated: 2016-07-15. Review status: criteria provided, single submitter. Criteria: GeneDx Variant Classification (06012015). Collection method: clinical testing. Allele origin: germline. Affected: yes. Not counted in ClinVar's aggregate classification.
Comment: This variant is considered likely benign or benign based on one or more of the following criteria: it is a conservative change, it occurs at a poorly conserved position in the protein, it is predicted to be benign by multiple in silico algorithms, and/or has population frequency not consistent with disease.

Genetic Services Laboratory, University of Chicago
Classification: Likely benign. Last evaluated: 2015-08-10. Review status: criteria provided, single submitter. Criteria: ACMG Guidelines, 2015. Collection method: clinical testing. Allele origin: germline. Not counted in ClinVar's aggregate classification.

Baylor Genetics
Classification: Uncertain significance for Angelman syndrome. Last evaluated: 2014-02-14. Review status: no assertion criteria provided. Collection method: clinical testing. Allele origin: germline. Affected: yes. Observed: 1 variant allele. Study: UBE3A Mutation Study. Not counted in ClinVar's aggregate classification.
Comment: possible diagnosis of Angelman syndrome

Data collected from clinical UBE3A sequence analysis results

Literature cited by the submitters: PubMed 25212744 (cited by 3 submitters).

NM_130839.5(UBE3A):c.1269C>T (p.Asp423=)

Genes: SNHG14 (small nucleolar RNA host gene 14; plus strand), UBE3A (ubiquitin protein ligase E3A; minus strand). Cytogenetic location: 15q11.2.
Variant type: single nucleotide variant.
Coding change: c.1269C>T on transcript NM_130839.5 (MANE Select); coding-DNA position 1269, C replaced by T.
Protein change: p.Asp423=; no amino-acid change (aspartic acid 423 retained).
Molecular consequence: synonymous variant. On other transcripts: non-coding transcript variant (1), intron variant (2).
Genome position (GRCh38, 1-based): chr15:25,370,905, G>A on the plus strand (C>T on the coding strand, the complement: UBE3A is on the minus strand). VCF-style: chr15-25370905-G-A. GRCh37 (hg19) VCF-style: chr15-25616052-G-A.
Other names: p.D423D:GAC>GAT; NM_130839.5(UBE3A):c.1269C>T; p.Asp423=; p.Asp403=; c.1278C>T, p.Asp426= (NM_000462.5); c.1269C>T, p.Asp423= (NM_001354505.1, NM_001354538.2, NM_001354545.2); c.1209C>T, p.Asp403= (NM_001354506.2, NM_001354507.2, NM_001354508.2 and 17 more transcripts); c.1092C>T, p.Asp364= (NM_001354546.2); and 2 more.
Identifiers: ClinVar variation 96256 (VCV000096256.90), dbSNP rs149506027, ClinGen allele CA149398.